The following is an entry in ClinVar:

NM_000443.4(ABCB4):c.412T>C (p.Trp138Arg)

Gene: ABCB4 (ATP binding cassette subfamily B member 4; minus strand). Cytogenetic location: 7q21.12.
Variant type: single nucleotide variant.
Coding change: c.412T>C on transcript NM_000443.4 (MANE Select); coding-DNA position 412, T replaced by C.
Protein change: p.Trp138Arg; replaces tryptophan 138 with arginine.
Molecular consequence: missense variant.
Genome position (GRCh38, 1-based): chr7:87,453,068, A>G on the plus strand (T>C on the coding strand, the complement: ABCB4 is on the minus strand). VCF-style: chr7-87453068-A-G. GRCh37 (hg19) VCF-style: chr7-87082384-A-G.
Other names: c.412T>C, p.Trp138Arg (NM_018849.3, NM_018850.3); short protein forms W138R.
Identifiers: ClinVar variation 4846667 (VCV004846667.1).

ClinVar aggregate classification (germline): Uncertain significance (1 of 4 stars; one submission).

Conditions:
Familial intrahepatic cholestasis. Identifiers: Orphanet 284385, MedGen CN296401, MONDO:0017290.

Submission:

Genomenon, Inc
Classification: Uncertain significance for Familial intrahepatic cholestasis. Last evaluated: 2026-04-14. Review status: criteria provided, single submitter. Criteria: Genomenon Sequence Variant Interpretation Standards - Updated. Collection method: curation. Allele origin: germline. Affected: yes.
Comment: ABCB4 p.Trp138Arg (c.412T>C) is a missense variant that changes the amino acid at residue 138 from Tryptophan to Arginine. This variant has been observed in at least one proband with an ABCB4-related disorder (PMID:11313315;37701337). It is absent or not present at a significant frequency in gnomAD. In silico models predict that this variant is possibly or probably damaging. In conclusion, we classify ABCB4 p.Trp138Arg (c.412T>C) as a variant of uncertain significance.

Literature cited by the submitters: PubMed 11313315; PubMed 37701337.